The following is an entry in ClinVar:

ClinVar aggregate classification (germline): Uncertain significance (1 of 4 stars; one submission).

Conditions:
Biotinidase deficiency. Also called: BTD deficiency; Late-onset biotin-responsive multiple carboxylase deficiency; Biotin deficiency. Identifiers: Orphanet 79241, MedGen C0220754, MONDO:0009665, OMIM 253260.

Submission:

Labcorp Genetics (formerly Invitae), Labcorp
Classification: Uncertain significance for Biotinidase deficiency. Last evaluated: 2021-12-21. Review status: criteria provided, single submitter. Criteria: Invitae Variant Classification Sherloc (09022015). Collection method: clinical testing. Allele origin: germline.
Comment: In summary, the available evidence is currently insufficient to determine the role of this variant in disease. Therefore, it has been classified as a Variant of Uncertain Significance. Algorithms developed to predict the effect of missense changes on protein structure and function are either unavailable or do not agree on the potential impact of this missense change (SIFT: "Deleterious"; PolyPhen-2: "Probably Damaging"; Align-GVGD: "Class C0"). This variant has not been reported in the literature in individuals affected with BTD-related conditions. This variant is not present in population databases (gnomAD no frequency). This sequence change replaces tyrosine, which is neutral and polar, with cysteine, which is neutral and slightly polar, at codon 58 of the BTD protein (p.Tyr58Cys).

NM_001370658.1(BTD):c.113A>G (p.Tyr38Cys)

Gene: BTD (biotinidase; plus strand). Cytogenetic location: 3p25.1.
Variant type: single nucleotide variant.
Coding change: c.113A>G on transcript NM_001370658.1 (MANE Select); coding-DNA position 113, A replaced by G.
Protein change: p.Tyr38Cys; replaces tyrosine 38 with cysteine.
Molecular consequence: missense variant.
Genome position (GRCh38, 1-based): chr3:15,635,552, A>G. VCF-style: chr3-15635552-A-G. GRCh37 (hg19) VCF-style: chr3-15677059-A-G.
Other names: c.173A>G, p.Tyr58Cys (NM_000060.4); c.113A>G, p.Tyr38Cys (NM_001281723.4, NM_001281724.3, NM_001281725.3 and 37 more transcripts); short protein forms Y58C, Y38C.
Identifiers: ClinVar variation 2050859 (VCV002050859.4), dbSNP rs2471440561, ClinGen allele CA351603088.